The following is an entry in ClinVar:

NM_032242.4(PLXNA1):c.432C>T (p.Asp144=)

Gene: PLXNA1 (plexin A1; plus strand). Cytogenetic location: 3q21.3.
Variant type: single nucleotide variant.
Coding change: c.432C>T on transcript NM_032242.4 (MANE Select); coding-DNA position 432, C replaced by T.
Protein change: p.Asp144=; no amino-acid change (aspartic acid 144 retained).
Molecular consequence: synonymous variant.
Genome position (GRCh38, 1-based): chr3:126,989,025, C>T. VCF-style: chr3-126989025-C-T. GRCh37 (hg19) VCF-style: chr3-126707868-C-T.
Identifiers: ClinVar variation 4987692 (VCV004987692.1).

ClinVar aggregate classification (germline): Likely benign (1 of 4 stars; one submission).

Conditions:
PLXNA1-related disorder. Also called: PLXNA1-related condition.

gnomAD v4.1: 22 of 1,613,172 alleles (0.0014%); highest among the groups gnomAD compares: South Asian, 0.0044%; no homozygotes.

Submission:

PreventionGenetics, part of Exact Sciences
Classification: Likely benign for PLXNA1-related condition. Last evaluated: 2024-10-07. Review status: criteria provided, single submitter. Criteria: ACMG Guidelines, 2015. Collection method: clinical testing. Allele origin: germline.
Comment: This variant is classified as likely benign based on ACMG/AMP sequence variant interpretation guidelines (Richards et al. 2015 PMID: 25741868, with internal and published modifications).